The following is an entry in ClinVar:

ClinVar aggregate classification (germline): Conflicting classifications of pathogenicity. Review status: criteria provided, conflicting classifications (1 of 4 stars). 3 submissions from 3 submitters: Uncertain significance (2); Likely benign (1). Last evaluated 2025-07-30.

Conditions:
Hereditary nonpolyposis colorectal neoplasms. Identifiers: MedGen C0009405, MeSH D003123.
Hereditary cancer-predisposing syndrome. Also called: Tumor predisposition; Hereditary neoplastic syndrome; Neoplastic Syndromes, Hereditary; Hereditary Cancer Syndrome. Identifiers: Orphanet 140162, MedGen C0027672, MeSH D009386, MONDO:0015356.

Submissions (3):

Color Diagnostics, LLC DBA Color Health
Classification: Likely benign for Hereditary cancer-predisposing syndrome. Last evaluated: 2025-07-30. Review status: criteria provided, single submitter. Criteria: ACMG Guidelines, 2015. Collection method: clinical testing. Allele origin: germline.

Labcorp Genetics (formerly Invitae), Labcorp
Classification: Uncertain significance for Hereditary nonpolyposis colorectal neoplasms. Last evaluated: 2024-05-18. Review status: criteria provided, single submitter. Criteria: Invitae Variant Classification Sherloc (09022015). Collection method: clinical testing. Allele origin: germline.
Comment: This sequence change replaces histidine, which is basic and polar, with asparagine, which is neutral and polar, at codon 189 of the PMS2 protein (p.His189Asn). This variant is not present in population databases (gnomAD no frequency). This variant has not been reported in the literature in individuals affected with PMS2-related conditions. ClinVar contains an entry for this variant (Variation ID: 664169). Advanced modeling of protein sequence and biophysical properties (such as structural, functional, and spatial information, amino acid conservation, physicochemical variation, residue mobility, and thermodynamic stability) performed at Invitae indicates that this missense variant is not expected to disrupt PMS2 protein function with a negative predictive value of 80%. In summary, the available evidence is currently insufficient to determine the role of this variant in disease. Therefore, it has been classified as a Variant of Uncertain Significance.

Ambry Genetics
Classification: Uncertain significance for Hereditary cancer-predisposing syndrome. Last evaluated: 2022-08-10. Review status: criteria provided, single submitter. Criteria: Ambry Variant Classification Scheme 2023. Collection method: clinical testing. Allele origin: germline.
Comment: The p.H189N variant (also known as c.565C>A), located in coding exon 6 of the PMS2 gene, results from a C to A substitution at nucleotide position 565. The histidine at codon 189 is replaced by asparagine, an amino acid with similar properties. This variant was identified in a cohort of 3,579 African males diagnosed with prostate cancer who underwent multi-gene panel testing of 19 DNA repair and cancer predisposition genes (Matejcic M et al. JCO Precis Oncol, 2020 Jan;4:32-43). This amino acid position is poorly conserved in available vertebrate species. In addition, this alteration is predicted to be tolerated by in silico analysis. Since supporting evidence is limited at this time, the clinical significance of this alteration remains unclear.

Literature cited by the submitters: PubMed 32832836 (cited by Ambry Genetics).

NM_000535.7(PMS2):c.565C>A (p.His189Asn)

Gene: PMS2 (PMS1 homolog 2, mismatch repair system component; minus strand). Cytogenetic location: 7p22.1.
Variant type: single nucleotide variant.
Coding change: c.565C>A on transcript NM_000535.7 (MANE Select); coding-DNA position 565, C replaced by A.
Protein change: p.His189Asn; replaces histidine 189 with asparagine.
Molecular consequence: missense variant. On other transcripts: non-coding transcript variant (1), intron variant (3).
Genome position (GRCh38, 1-based): chr7:5,999,248, G>T on the plus strand (C>A on the coding strand, the complement: PMS2 is on the minus strand). VCF-style: chr7-5999248-G-T. GRCh37 (hg19) VCF-style: chr7-6038879-G-T.
Other names: c.160C>A, p.His54Asn (NM_001322003.2, NM_001322004.2, NM_001322005.2 and 2 more transcripts); c.565C>A, p.His189Asn (NM_001322006.2, NM_001322014.2); c.247C>A, p.His83Asn (NM_001322007.2, NM_001322008.2); c.256C>A, p.His86Asn (NM_001322015.2); c.133-1825C>A (NM_001322013.2); c.-347-22C>A (NM_001322012.2, NM_001322011.2); short protein forms H83N, H86N, H189N, H54N.
Identifiers: ClinVar variation 664169 (VCV000664169.15), dbSNP rs1583387579, ClinGen allele CA366744080.